The following is an entry in ClinVar:

NM_024408.4(NOTCH2):c.4688G>A (p.Arg1563His)

Gene: NOTCH2 (notch receptor 2; minus strand). Cytogenetic location: 1p12.
Variant type: single nucleotide variant.
Coding change: c.4688G>A on transcript NM_024408.4 (MANE Select); coding-DNA position 4688, G replaced by A.
Protein change: p.Arg1563His; replaces arginine 1563 with histidine.
Molecular consequence: missense variant.
Genome position (GRCh38, 1-based): chr1:119,923,808, C>T on the plus strand (G>A on the coding strand, the complement: NOTCH2 is on the minus strand). VCF-style: chr1-119923808-C-T. GRCh37 (hg19) VCF-style: chr1-120466431-C-T.
Other names: short protein forms R1563H.
Identifiers: ClinVar variation 1678845 (VCV001678845.6), dbSNP rs767706572, ClinGen allele CA1039819.

ClinVar aggregate classification (germline): Conflicting classifications of pathogenicity. Review status: criteria provided, conflicting classifications (1 of 4 stars). 3 submissions from 3 submitters: Uncertain significance (1); Likely benign (2). Last evaluated 2024-10-10.

Conditions:
Hajdu-Cheney syndrome (HJCYS). Also called: SERPENTINE FIBULA-POLYCYSTIC KIDNEY SYNDROME; ACROOSTEOLYSIS WITH OSTEOPOROSIS AND CHANGES IN SKULL AND MANDIBLE; Acroosteolysis dominant type. Identifiers: Orphanet 955, MedGen C0917715, MONDO:0007057, OMIM 102500.

Allele frequency attached by ClinVar (database versions not stated): ExAC 0.00002; gnomAD exomes 0.00003.
gnomAD v4.1: 37 of 1,614,030 alleles (0.0023%); highest among the groups gnomAD compares: East Asian, 0.016%; 1 homozygote.

Submissions (3):

Blueprint Genetics
Classification: Likely benign. Last evaluated: 2024-10-10. Review status: criteria provided, single submitter. Criteria: ACMG Guidelines, 2015. Collection method: clinical testing. Allele origin: germline.

Labcorp Genetics (formerly Invitae), Labcorp
Classification: Uncertain significance for Hajdu-Cheney syndrome. Last evaluated: 2024-01-12. Review status: criteria provided, single submitter. Criteria: Invitae Variant Classification Sherloc (09022015). Collection method: clinical testing. Allele origin: germline.
Comment: This sequence change replaces arginine, which is basic and polar, with histidine, which is basic and polar, at codon 1563 of the NOTCH2 protein (p.Arg1563His). This variant is present in population databases (rs767706572, gnomAD 0.02%). This variant has not been reported in the literature in individuals affected with NOTCH2-related conditions. ClinVar contains an entry for this variant (Variation ID: 1678845). Advanced modeling of protein sequence and biophysical properties (such as structural, functional, and spatial information, amino acid conservation, physicochemical variation, residue mobility, and thermodynamic stability) performed at Invitae indicates that this missense variant is not expected to disrupt NOTCH2 protein function with a negative predictive value of 80%. In summary, the available evidence is currently insufficient to determine the role of this variant in disease. Therefore, it has been classified as a Variant of Uncertain Significance.

GeneDx
Classification: Likely benign. Last evaluated: 2020-07-20. Review status: criteria provided, single submitter. Criteria: GeneDx Variant Classification Process June 2021. Collection method: clinical testing. Allele origin: germline. Affected: yes.
Comment: See Variant Classification Assertion Criteria.